The following is an entry in ClinVar:

NM_002499.4(NEO1):c.2204-14_2204-2dup

Gene: NEO1 (neogenin 1; plus strand). Cytogenetic location: 15q24.1.
Variant type: Duplication.
Coding change: c.2204-14_2204-2dup on transcript NM_002499.4 (MANE Select); 14 bases into the intron before coding-DNA position 2204 through the canonical splice acceptor site of the intron before coding-DNA position 2204, 13 bases duplicated (CTTTTCCTTCCCA).
Molecular consequence: splice acceptor variant.
Genome position (GRCh38, 1-based): chr15:73,260,257-73,260,269, CTTTTCCTTCCCA duplicated; duplicating any 13 consecutive bases within chr15:73,260,254-73,260,269 gives the same sequence; the c. name uses the placement nearest the transcript's 3' end. VCF-style (leftmost placement, unchanged base first): chr15-73260253-T-TCCACTTTTCCTTC. GRCh37 (hg19) VCF-style: chr15-73552594-T-TCCACTTTTCCTTC.
Other names: c.2204-14_2204-2dup (NM_001172624.2, NM_001172623.2); c.2264-14_2264-2dup (NM_001419531.1).
Identifiers: ClinVar variation 3041880 (VCV003041880.2), dbSNP rs373725489, ClinGen allele CA7648177.

ClinVar aggregate classification (germline): Benign (0 of 4 stars; one submission).

Conditions:
NEO1-related disorder. Also called: NEO1-related condition.

Submission:

PreventionGenetics, part of Exact Sciences
Classification: Benign for NEO1-related condition. Last evaluated: 2020-01-02. Review status: no assertion criteria provided. Collection method: clinical testing. Allele origin: germline.
Comment: This variant is classified as benign based on ACMG/AMP sequence variant interpretation guidelines (Richards et al. 2015 PMID: 25741868, with internal and published modifications).